The following is an entry in ClinVar:

ClinVar aggregate classification (germline): Benign/Likely benign. Review status: criteria provided, multiple submitters, no conflicts (2 of 4 stars). 4 submissions from 4 submitters: Benign (1); Likely benign (1). 2 of the submissions do not count toward it. Last evaluated 2020-08-20.

Conditions:
Autosomal dominant childhood-onset proximal spinal muscular atrophy with contractures (SMALED2A). Also called: SPINAL MUSCULAR ATROPHY, LOWER EXTREMITY-PREDOMINANT, 2A, CHILDHOOD ONSET, AUTOSOMAL DOMINANT; Spinal muscular atrophy, lower extremity-predominant, 2A, autosomal dominant. Identifiers: Orphanet 363447, Orphanet 363454, MedGen C4747715, MONDO:0014121, OMIM 615290.
Inborn genetic diseases. Identifiers: MedGen C0950123, MeSH D030342.
Charcot-Marie-Tooth disease. Also called: Charcot-Marie-Tooth Hereditary Neuropathy; Charcot-Marie-Tooth Neuropathy. Identifiers: Orphanet 166, MedGen C0007959, MONDO:0015626.

Allele frequency attached by ClinVar (database versions not stated): TOPMed 0.00002; gnomAD 0.00003; gnomAD exomes 0.00003 and 0.00005; ExAC 0.00004.
gnomAD v4.1: 46 of 1,604,082 alleles (0.0029%); highest among the groups gnomAD compares: South Asian, 0.025%; no homozygotes.

Submissions (4):

Ambry Genetics
Classification: Likely benign for Inborn genetic diseases. Last evaluated: 2020-08-20. Review status: criteria provided, single submitter. Criteria: Ambry Variant Classification Scheme 2023. Collection method: clinical testing. Allele origin: germline.

Mendelics
Classification: Benign for Autosomal dominant childhood-onset proximal spinal muscular atrophy with contractures. Last evaluated: 2019-05-28. Review status: criteria provided, single submitter. Criteria: Mendelics Assertion Criteria 2017. Collection method: clinical testing. Allele origin: unknown.

Inherited Neuropathy Consortium
Classification: Uncertain significance for Charcot-Marie-Tooth disease. Review status: no assertion criteria provided. Collection method: literature only. Allele origin: germline. Affected: yes. Not counted in ClinVar's aggregate classification.

Northcott Neuroscience Laboratory, ANZAC Research Institute
Classification: Likely benign. Review status: no assertion criteria provided. Collection method: not provided. Allele origin: germline. Not counted in ClinVar's aggregate classification.
Comment: Family Q
ClinVar note: Converted during submission from probable-non-pathogenic to Likely benign.

Literature cited by the submitters: PubMed 25802885 (cited by Inherited Neuropathy Consortium).

NM_001003800.2(BICD2):c.1079C>T (p.Ala360Val)

Gene: BICD2 (BICD cargo adaptor 2; minus strand). Cytogenetic location: 9q22.31.
Variant type: single nucleotide variant.
Coding change: c.1079C>T on transcript NM_001003800.2 (MANE Select); coding-DNA position 1079, C replaced by T.
Protein change: p.Ala360Val; replaces alanine 360 with valine.
Molecular consequence: missense variant.
Genome position (GRCh38, 1-based): chr9:92,719,566, G>A on the plus strand (C>T on the coding strand, the complement: BICD2 is on the minus strand). VCF-style: chr9-92719566-G-A. GRCh37 (hg19) VCF-style: chr9-95481848-G-A.
Other names: c.1079C>T, p.Ala360Val (NM_015250.4); short protein forms A360V.
Identifiers: ClinVar variation 155728 (VCV000155728.6), dbSNP rs587777884, ClinGen allele CA233051.